The following is an entry in ClinVar:

NM_000059.4(BRCA2):c.1892T>C (p.Phe631Ser)

Gene: BRCA2 (BRCA2 DNA repair associated; plus strand). Cytogenetic location: 13q13.1.
Variant type: single nucleotide variant.
Coding change: c.1892T>C on transcript NM_000059.4 (MANE Select); coding-DNA position 1892, T replaced by C.
Protein change: p.Phe631Ser; replaces phenylalanine 631 with serine.
Molecular consequence: missense variant.
Genome position (GRCh38, 1-based): chr13:32,333,370, T>C. VCF-style: chr13-32333370-T-C. GRCh37 (hg19) VCF-style: chr13-32907507-T-C.
Other names: short protein forms F631S.
Identifiers: ClinVar variation 1362862 (VCV001362862.9), dbSNP rs2137476085, ClinGen allele CA387766752.

ClinVar aggregate classification (germline): Conflicting classifications of pathogenicity. Review status: criteria provided, conflicting classifications (1 of 4 stars). 2 submissions from 2 submitters: Uncertain significance (1); Likely benign (1). Last evaluated 2023-03-23.

Conditions:
Hereditary cancer-predisposing syndrome. Also called: Neoplastic Syndromes, Hereditary; Tumor predisposition; Hereditary neoplastic syndrome; Hereditary Cancer Syndrome. Identifiers: Orphanet 140162, MedGen C0027672, MeSH D009386, MONDO:0015356.
Hereditary breast ovarian cancer syndrome. Also called: Hereditary breast and ovarian cancer; Hereditary breast and/or ovarian cancer syndrome; BRCA1- and BRCA2-Associated Hereditary Breast and Ovarian Cancer; Hereditary breast and ovarian cancer syndrome; Hereditary breast and ovarian cancer syndrome (HBOC); Breast and ovarian cancer. Identifiers: Orphanet 145, MedGen C0677776, MeSH D061325, MONDO:0003582. Disease mechanism: loss of function.

Submissions (2):

University of Washington Department of Laboratory Medicine, University of Washington
Classification: Likely benign for Hereditary cancer-predisposing syndrome. Last evaluated: 2023-03-23. Review status: criteria provided, single submitter. Criteria: Dines et al. (Genet Med. 2020). Collection method: curation. Allele origin: germline.
Comment: Missense variant in a coldspot region where missense variants are very unlikely to be pathogenic (PMID:31911673).

BRCA2 exon 10 coldspot. Reclassification based on statistical prior probability.

Labcorp Genetics (formerly Invitae), Labcorp
Classification: Uncertain significance for Hereditary breast ovarian cancer syndrome. Last evaluated: 2021-06-20. Review status: criteria provided, single submitter. Criteria: Invitae Variant Classification Sherloc (09022015). Collection method: clinical testing. Allele origin: germline.
Comment: In summary, the available evidence is currently insufficient to determine the role of this variant in disease. Therefore, it has been classified as a Variant of Uncertain Significance. Advanced modeling of protein sequence and biophysical properties (such as structural, functional, and spatial information, amino acid conservation, physicochemical variation, residue mobility, and thermodynamic stability) performed at Invitae indicates that this missense variant is not expected to disrupt BRCA2 protein function. This variant has not been reported in the literature in individuals with BRCA2-related conditions. This variant is not present in population databases (ExAC no frequency). This sequence change replaces phenylalanine with serine at codon 631 of the BRCA2 protein (p.Phe631Ser). The phenylalanine residue is moderately conserved and there is a large physicochemical difference between phenylalanine and serine.